The following is an entry in ClinVar:

ClinVar aggregate classification (germline): Pathogenic. Review status: criteria provided, multiple submitters, no conflicts (2 of 4 stars). 2 submissions from 2 submitters: Pathogenic (2). Last evaluated 2025-06-29.

Conditions:
Long QT syndrome (LQTS). Identifiers: MedGen C0023976, MeSH D008133, MONDO:0002442. Disease mechanism: loss of function. Inheritance: Various modes of inheritance.

Submissions (2):

Labcorp Genetics (formerly Invitae), Labcorp
Classification: Pathogenic for Long QT syndrome. Last evaluated: 2025-06-29. Review status: criteria provided, single submitter. Criteria: Invitae Variant Classification Sherloc (09022015). Collection method: clinical testing. Allele origin: germline.
Comment: This sequence change creates a premature translational stop signal (p.Gly970Trpfs*149) in the KCNH2 gene. While this is not anticipated to result in nonsense mediated decay, it is expected to disrupt the last 190 amino acid(s) of the KCNH2 protein. This variant is not present in population databases (gnomAD no frequency). This variant has not been reported in the literature in individuals affected with KCNH2-related conditions. ClinVar contains an entry for this variant (Variation ID: 1711663). This variant disrupts a region of the KCNH2 protein in which other variant(s) (p.Glu1119*) have been determined to be pathogenic (PMID: 27920829). This suggests that this is a clinically significant region of the protein, and that variants that disrupt it are likely to be disease-causing. For these reasons, this variant has been classified as Pathogenic.

CeGaT Center for Human Genetics Tuebingen
Classification: Pathogenic. Last evaluated: 2022-09-01. Review status: criteria provided, single submitter. Criteria: CeGaT Center For Human Genetics Tuebingen Variant Classification Criteria Version 2. Collection method: clinical testing. Allele origin: germline. Affected: yes. Observed: 1 variant allele.
Comment: KCNH2: PVS1, PM2

Literature cited by the submitters: PubMed 27920829 (cited by Labcorp Genetics (formerly Invitae), Labcorp).

NM_000238.4(KCNH2):c.2903dup (p.Gly970fs)

Gene: KCNH2 (potassium voltage-gated channel subfamily H member 2; minus strand). Cytogenetic location: 7q36.1.
Variant type: Duplication.
Coding change: c.2903dup on transcript NM_000238.4 (MANE Select); coding-DNA position 2903, one base duplicated (C; older notation c.2903dupC).
Protein change: p.Gly970fs; shifts the reading frame from glycine 970.
Molecular consequence: frameshift variant.
Genome position (GRCh38, 1-based): chr7:150,947,668, G duplicated on the plus strand (C on the coding strand, the reverse complement: KCNH2 is on the minus strand); the first of 2 consecutive G bases (chr7:150,947,668-150,947,669); duplicating either gives the same sequence. VCF-style (leftmost placement, unchanged base first): chr7-150947667-C-CG. GRCh37 (hg19) VCF-style: chr7-150644755-C-CG.
Other names: c.2614dup, p.Gly874Trpfs (NM_001406753.1); c.1883dup, p.Gly630fs (NM_172057.3); short protein forms G630fs, G970fs.
Identifiers: ClinVar variation 1711663 (VCV001711663.31), dbSNP rs2486006753, ClinGen allele CA2580077738.